The following is an entry in ClinVar:

NM_002156.5(HSPD1):c.561T>C (p.Ser187=)

Gene: HSPD1 (heat shock protein family D (Hsp60) member 1; minus strand). Cytogenetic location: 2q33.1.
Variant type: single nucleotide variant.
Coding change: c.561T>C on transcript NM_002156.5 (MANE Select); coding-DNA position 561, T replaced by C.
Protein change: p.Ser187=; no amino-acid change (serine 187 retained).
Molecular consequence: synonymous variant.
Genome position (GRCh38, 1-based): chr2:197,494,702, A>G on the plus strand (T>C on the coding strand, the complement: HSPD1 is on the minus strand). VCF-style: chr2-197494702-A-G. GRCh37 (hg19) VCF-style: chr2-198359426-A-G.
Other names: p.S187S:TCT>TCC; p.Ser187=; c.561T>C, p.Ser187= (NM_199440.2).
Identifiers: ClinVar variation 214549 (VCV000214549.56), dbSNP rs141357756, ClinGen allele CA320335.

ClinVar aggregate classification (germline): Benign/Likely benign. Review status: criteria provided, multiple submitters, no conflicts (2 of 4 stars). 9 submissions from 9 submitters: Benign (3); Likely benign (5). 1 of the submissions does not count toward it. Last evaluated 2026-09-01.

Conditions:
Leukodystrophy, hypomyelinating, 4. Also called: MITCHAP60 DISEASE; MITOCHONDRIAL HSP60 CHAPERONOPATHY. Identifiers: Orphanet 280270, Orphanet 280288, MedGen C2677109, MONDO:0012824, OMIM 612233.
Hereditary spastic paraplegia 13 (SPG13). Also called: Spastic paraplegia 13; SPASTIC PARAPLEGIA 13, AUTOSOMAL DOMINANT. Identifiers: Orphanet 100994, MedGen C1854467, MONDO:0011532, OMIM 605280.
HSPD1-related disorder. Also called: HSPD1-related condition.
Spastic paraplegia. Identifiers: MedGen C0037772, HP:0001258.
Hereditary spastic paraplegia. Also called: Familial spastic paraparesis. Identifiers: Orphanet 685, MedGen C0037773, MONDO:0019064. Disease mechanism: loss of function.

Allele frequency attached by ClinVar (database versions not stated): 1000 Genomes Project 0.00080; 1000 Genomes Project 30x 0.00094; TOPMed 0.00121; gnomAD 0.00153 and 0.00155; gnomAD exomes 0.00156 and 0.00272; ExAC 0.00157; ESP Exome Variant Server 0.00223.
gnomAD v4.1: 4,153 of 1,612,736 alleles (0.26%); highest among the groups gnomAD compares: Non-Finnish European, 0.32%; 13 homozygotes.

Submissions (9):

CeGaT Center for Human Genetics Tuebingen
Classification: Likely benign. Last evaluated: 2026-09-01. Review status: criteria provided, single submitter. Criteria: CeGaT Center For Human Genetics Tuebingen Variant Classification Criteria Version 2. Collection method: clinical testing. Allele origin: germline. Affected: yes. Observed: 18 variant alleles.
Comment: HSPD1: BP4, BP7, BS2

Labcorp Genetics (formerly Invitae), Labcorp
Classification: Benign for Spastic paraplegia. Last evaluated: 2026-01-24. Review status: criteria provided, single submitter. Criteria: Invitae Variant Classification Sherloc (09022015). Collection method: clinical testing. Allele origin: germline.

Mayo Clinic Laboratories, Mayo Clinic
Classification: Likely benign. Last evaluated: 2025-07-02. Review status: criteria provided, single submitter. Criteria: ACMG Guidelines, 2015. Collection method: clinical testing. Allele origin: germline. Observed: 12 variant alleles.
Comment: BS1, BP4, BP7

Blueprint Genetics
Classification: Likely benign. Last evaluated: 2024-10-11. Review status: criteria provided, single submitter. Criteria: ACMG Guidelines, 2015. Collection method: clinical testing. Allele origin: germline.

Fulgent Genetics
Classification: Likely benign for Hereditary spastic paraplegia 13; Leukodystrophy, hypomyelinating, 4. Last evaluated: 2022-01-28. Review status: criteria provided, single submitter. Criteria: ACMG Guidelines, 2015. Collection method: clinical testing. Allele origin: unknown.

Genome Diagnostics Laboratory, The Hospital for Sick Children
Classification: Likely benign for Hereditary spastic paraplegia. Last evaluated: 2019-12-01. Review status: criteria provided, single submitter. Criteria: ACMG Guidelines, 2015. Collection method: clinical testing. Allele origin: germline. Affected: yes.

Illumina Laboratory Services, Illumina
Classification: Benign for Hereditary spastic paraplegia 13. Last evaluated: 2018-01-13. Review status: criteria provided, single submitter. Criteria: ICSL Variant Classification Criteria 13 December 2019. Collection method: clinical testing. Allele origin: germline.
Comment: This variant was observed in the ICSL laboratory as part of a predisposition screen in an ostensibly healthy population. It had not been previously curated by ICSL or reported in the Human Gene Mutation Database (HGMD: prior to June 1st, 2018), and was therefore a candidate for classification through an automated scoring system. Utilizing variant allele frequency, disease prevalence and penetrance estimates, and inheritance mode, an automated score was calculated to assess if this variant is too frequent to cause the disease. Based on the score and internal cut-off values, a variant classified as benign is not then subjected to further curation. The score for this variant resulted in a classification of benign for this disease.

GeneDx
Classification: Benign. Last evaluated: 2014-08-25. Review status: criteria provided, single submitter. Criteria: GeneDx Variant Classification (06012015). Collection method: clinical testing. Allele origin: germline. Affected: yes.
Comment: This variant is considered likely benign or benign based on one or more of the following criteria: it is a conservative change, it occurs at a poorly conserved position in the protein, it is predicted to be benign by multiple in silico algorithms, and/or has population frequency not consistent with disease.

PreventionGenetics, part of Exact Sciences
Classification: Likely benign for HSPD1-related condition. Last evaluated: 2019-09-17. Review status: no assertion criteria provided. Collection method: clinical testing. Allele origin: germline. Not counted in ClinVar's aggregate classification.
Comment: This variant is classified as likely benign based on ACMG/AMP sequence variant interpretation guidelines (Richards et al. 2015 PMID: 25741868, with internal and published modifications).